The following is an entry in ClinVar:

NM_198253.3(TERT):c.2993G>A (p.Cys998Tyr)

Gene: TERT (telomerase reverse transcriptase; minus strand). Cytogenetic location: 5p15.33.
Variant type: single nucleotide variant.
Coding change: c.2993G>A on transcript NM_198253.3 (MANE Select); coding-DNA position 2993, G replaced by A.
Protein change: p.Cys998Tyr; replaces cysteine 998 with tyrosine.
Molecular consequence: missense variant. On other transcripts: non-coding transcript variant (2).
Genome position (GRCh38, 1-based): chr5:1,258,637, C>T on the plus strand (G>A on the coding strand, the complement: TERT is on the minus strand). VCF-style: chr5-1258637-C-T. GRCh37 (hg19) VCF-style: chr5-1258752-C-T.
Other names: c.2804G>A, p.Cys935Tyr (NM_001193376.3); short protein forms C998Y, C935Y.
Identifiers: ClinVar variation 5030628 (VCV005030628.1).

ClinVar aggregate classification (germline): Uncertain significance (1 of 4 stars; one submission).

Conditions:
Dyskeratosis congenita. Identifiers: Orphanet 1775, MedGen C0265965, MONDO:0015780.

gnomAD v4.1: 3 of 1,571,834 alleles (0.00019%); highest among the groups gnomAD compares: Non-Finnish European, 0.00026%; no homozygotes.

Submission:

Ambry Genetics
Classification: Uncertain significance for Dyskeratosis congenita. Last evaluated: 2026-07-13. Review status: criteria provided, single submitter. Criteria: Ambry Variant Classification Scheme 2023. Collection method: clinical testing. Allele origin: germline.
Comment: The p.C998Y variant (also known as c.2993G>A), located in coding exon 13 of the TERT gene, results from a G to A substitution at nucleotide position 2993. The cysteine at codon 998 is replaced by tyrosine, an amino acid with highly dissimilar properties. This amino acid position is conserved. In addition, this alteration is predicted to be tolerated by in silico analysis. Based on the available evidence, the clinical significance of this variant remains unclear.